The following is an entry in ClinVar:

NM_000089.4(COL1A2):c.1842C>A (p.Pro614=)

Gene: COL1A2 (collagen type I alpha 2 chain; plus strand). Cytogenetic location: 7q21.3.
Variant type: single nucleotide variant.
Coding change: c.1842C>A on transcript NM_000089.4 (MANE Select); coding-DNA position 1842, C replaced by A.
Protein change: p.Pro614=; no amino-acid change (proline 614 retained).
Molecular consequence: synonymous variant.
Genome position (GRCh38, 1-based): chr7:94,416,482, C>A. VCF-style: chr7-94416482-C-A. GRCh37 (hg19) VCF-style: chr7-94045794-C-A.
Identifiers: ClinVar variation 1636203 (VCV001636203.15), dbSNP rs931023370, ClinGen allele CA162929095.

ClinVar aggregate classification (germline): Likely benign. Review status: criteria provided, multiple submitters, no conflicts (2 of 4 stars). 2 submissions from 2 submitters: Likely benign (2). Last evaluated 2025-03-01.

Conditions:
Osteogenesis imperfecta type I (OI1). Also called: Lobstein disease; OI, TYPE I; OSTEOGENESIS IMPERFECTA TARDA; OSTEOGENESIS IMPERFECTA WITH BLUE SCLERAE; Classic Non-deforming Osteogenesis Imperfecta with Blue Sclerae; Osteogenesis imperfecta type 1. Identifiers: Orphanet 216796, Orphanet 666, MedGen C0023931, MONDO:0008146, OMIM 166200. Disease mechanism: loss of function.
Ehlers-Danlos syndrome, classic type, 1 (EDSCL1). Also called: EHLERS-DANLOS SYNDROME, GRAVIS TYPE; EHLERS-DANLOS SYNDROME, SEVERE CLASSIC TYPE; EDS I; Ehlers-Danlos Syndrome, Classic Type, COL5A1-Related; Ehlers-Danlos syndrome, type 1. Identifiers: MedGen C0268335, MONDO:0019567, OMIM 130000.

gnomAD v4.1: 2 of 1,576,180 alleles (0.00013%); highest among the groups gnomAD compares: Admixed American, 0.0036%; no homozygotes.

Submissions (2):

CeGaT Center for Human Genetics Tuebingen
Classification: Likely benign. Last evaluated: 2025-03-01. Review status: criteria provided, single submitter. Criteria: CeGaT Center For Human Genetics Tuebingen Variant Classification Criteria Version 2. Collection method: clinical testing. Allele origin: germline. Affected: yes. Observed: 1 variant allele.
Comment: COL1A2: BP4, BP7

Labcorp Genetics (formerly Invitae), Labcorp
Classification: Likely benign for Osteogenesis imperfecta type I; Ehlers-Danlos syndrome, classic type, 1. Last evaluated: 2024-08-06. Review status: criteria provided, single submitter. Criteria: Invitae Variant Classification Sherloc (09022015). Collection method: clinical testing. Allele origin: germline.